The following is an entry in ClinVar:

ClinVar aggregate classification (germline): Pathogenic (1 of 4 stars; one submission).

Conditions:
Monocytopenia with susceptibility to infections. Also called: MONOCYTOPENIA AND MYCOBACTERIAL INFECTION SYNDROME; MONOCYTOPENIA WITH SUSCEPTIBILITY TO MYCOBACTERIAL, FUNGAL, AND PAPILLOMAVIRUS INFECTIONS AND MYELODYSPLASIA; COMBINED IMMUNODEFICIENCY WITH SUSCEPTIBILITY TO MYCOBACTERIAL, VIRAL, AND FUNGAL INFECTIONS; Dendritic cell, monocyte, B lymphocyte, and natural killer lymphocyte deficiency; IMMUNODEFICIENCY 21; GATA2 DEFICIENCY. Identifiers: Orphanet 228423, MedGen C3280030, MONDO:0013607, OMIM 614172.
Deafness-lymphedema-leukemia syndrome. Also called: Emberger syndrome; Lymphedema, primary, with myelodysplasia. Identifiers: Orphanet 3226, MedGen C3279664, MONDO:0013540, OMIM 614038.

Submission:

Labcorp Genetics (formerly Invitae), Labcorp
Classification: Pathogenic for Monocytopenia with susceptibility to infections; Deafness-lymphedema-leukemia syndrome. Last evaluated: 2020-07-09. Review status: criteria provided, single submitter. Criteria: Invitae Variant Classification Sherloc (09022015). Collection method: clinical testing. Allele origin: germline.
Comment: This sequence change creates a premature translational stop signal (p.Pro161Hisfs*25) in the GATA2 gene. It is expected to result in an absent or disrupted protein product. This variant is not present in population databases (ExAC no frequency). This variant has not been reported in the literature in individuals with GATA2-related conditions. Loss-of-function variants in GATA2 are known to be pathogenic (PMID: 21670465, 23223431). For these reasons, this variant has been classified as Pathogenic.

Literature cited by the submitters: PubMed 21670465; PubMed 23223431.

NM_032638.5(GATA2):c.476_479dup (p.Pro161fs)

Gene: GATA2 (GATA binding protein 2; minus strand). Cytogenetic location: 3q21.3.
Variant type: Duplication.
Coding change: c.476_479dup on transcript NM_032638.5 (MANE Select); coding-DNA positions 476 to 479, 4 bases duplicated (TCAC; older notation c.476_479dupTCAC).
Protein change: p.Pro161fs; shifts the reading frame from proline 161.
Molecular consequence: frameshift variant.
Genome position (GRCh38, 1-based): chr3:128,486,119-128,486,122, GTGA duplicated on the plus strand (TCAC on the coding strand, the reverse complement: GATA2 is on the minus strand); duplicating any 4 consecutive bases within chr3:128,486,119-128,486,123 gives the same sequence; the c. name uses the placement nearest the transcript's 3' end. VCF-style (leftmost placement, unchanged base first): chr3-128486118-G-GGTGA. GRCh37 (hg19) VCF-style: chr3-128204961-G-GGTGA.
Other names: c.476_479dup, p.Pro161fs (NM_001145661.2, NM_001145662.1); short protein forms P161fs.
Identifiers: ClinVar variation 1075475 (VCV001075475.7), dbSNP rs2107672568, ClinGen allele CA2499216466.
Genomic context (GRCh38, chr3:128,486,118, plus strand): 5'-TTCTTTGGGTGGCGTGGGTGGGAAGCCGAAAAGGTGGGAGCCAGAGTGGGCTGCTGTAGG[G>GGTGA]GTGAGGGAGGCCACTGAGCTCCCGCTGCCTCCCCCGCTCCCACCCCCAGCCCCTGGGTAC-3'